The following is an entry in ClinVar:

ClinVar aggregate classification (germline): Uncertain significance (1 of 4 stars; one submission).

Conditions:
Sulfite oxidase deficiency due to molybdenum cofactor deficiency type C. Also called: Molybdenum cofactor deficiency C; Molybdenum cofactor deficiency, complementation group C. Identifiers: Orphanet 308400, Orphanet 833, MedGen C1854990, MONDO:0014212, OMIM 615501.

gnomAD v4.1: 2 of 1,556,970 alleles (0.00013%); highest among the groups gnomAD compares: African/African-American, 0.0027%; no homozygotes.

Submission:

Labcorp Genetics (formerly Invitae), Labcorp
Classification: Uncertain significance for Sulfite oxidase deficiency due to molybdenum cofactor deficiency type C. Last evaluated: 2025-03-09. Review status: criteria provided, single submitter. Criteria: Invitae Variant Classification Sherloc (09022015). Collection method: clinical testing. Allele origin: germline.
Comment: This sequence change replaces glycine, which is neutral and non-polar, with aspartic acid, which is acidic and polar, at codon 50 of the GPHN protein (p.Gly50Asp). This variant is present in population databases (rs375443129, gnomAD 0.007%). This variant has not been reported in the literature in individuals affected with GPHN-related conditions. Invitae Evidence Modeling of protein sequence and biophysical properties (such as structural, functional, and spatial information, amino acid conservation, physicochemical variation, residue mobility, and thermodynamic stability) indicates that this missense variant is not expected to disrupt GPHN protein function with a negative predictive value of 80%. In summary, the available evidence is currently insufficient to determine the role of this variant in disease. Therefore, it has been classified as a Variant of Uncertain Significance.

NM_020806.5(GPHN):c.149G>A (p.Gly50Asp)

Gene: GPHN (gephyrin; plus strand). Cytogenetic location: 14q23.3.
Variant type: single nucleotide variant.
Coding change: c.149G>A on transcript NM_020806.5 (MANE Select); coding-DNA position 149, G replaced by A.
Protein change: p.Gly50Asp; replaces glycine 50 with aspartic acid.
Molecular consequence: missense variant.
Genome position (GRCh38, 1-based): chr14:66,776,469, G>A. VCF-style: chr14-66776469-G-A. GRCh37 (hg19) VCF-style: chr14-67243187-G-A.
Other names: c.149G>A, p.Gly50Asp (NM_001024218.2, NM_001377514.1, NM_001377515.1 and 4 more transcripts); short protein forms G50D.
Identifiers: ClinVar variation 4797529 (VCV004797529.1).